The following is an entry in ClinVar:

NM_022829.6(SLC13A3):c.1197C>A (p.Leu399=)

Gene: SLC13A3 (solute carrier family 13 member 3; minus strand). Cytogenetic location: 20q13.12.
Variant type: single nucleotide variant.
Coding change: c.1197C>A on transcript NM_022829.6 (MANE Select); coding-DNA position 1197, C replaced by A.
Protein change: p.Leu399=; no amino-acid change (leucine 399 retained).
Molecular consequence: synonymous variant.
Genome position (GRCh38, 1-based): chr20:46,583,594, G>T on the plus strand (C>A on the coding strand, the complement: SLC13A3 is on the minus strand). VCF-style: chr20-46583594-G-T. GRCh37 (hg19) VCF-style: chr20-45212233-G-T.
Other names: c.1056C>A, p.Leu352= (NM_001011554.3); c.1047C>A, p.Leu349= (NM_001193339.2); c.951C>A, p.Leu317= (NM_001193340.2); c.903C>A, p.Leu301= (NM_001193342.2).
Identifiers: ClinVar variation 2181598 (VCV002181598.2), dbSNP rs746027184, ClinGen allele CA9891373.

ClinVar aggregate classification (germline): Uncertain significance (1 of 4 stars; one submission).

Allele frequency attached by ClinVar (database versions not stated): gnomAD 0.00001; TOPMed 0.00002; ExAC 0.00004.
gnomAD v4.1: 21 of 1,613,490 alleles (0.0013%); highest among the groups gnomAD compares: Admixed American, 0.035%; no homozygotes.

Submission:

Labcorp Genetics (formerly Invitae), Labcorp
Classification: Uncertain significance. Last evaluated: 2023-02-02. Review status: criteria provided, single submitter. Criteria: Invitae Variant Classification Sherloc (09022015). Collection method: clinical testing. Allele origin: germline.
Comment: In summary, the available evidence is currently insufficient to determine the role of this variant in disease. Therefore, it has been classified as a Variant of Uncertain Significance. Algorithms developed to predict the effect of sequence changes on RNA splicing suggest that this variant may disrupt the consensus splice site. This variant has not been reported in the literature in individuals affected with SLC13A3-related conditions. This variant is present in population databases (rs746027184, gnomAD 0.05%). This sequence change affects codon 399 of the SLC13A3 mRNA. It is a 'silent' change, meaning that it does not change the encoded amino acid sequence of the SLC13A3 protein.